The following is an entry in ClinVar:

ClinVar aggregate classification (germline): Likely benign. Review status: criteria provided, multiple submitters, no conflicts (2 of 4 stars). 2 submissions from 2 submitters: Likely benign (2). Last evaluated 2026-06-23.

Conditions:
PEX13-related disorder. Also called: PEX13-related condition; PEX13-related disorders.
Peroxisome biogenesis disorder 11A (Zellweger). Also called: Peroxisome biogenesis disorder 11A. Identifiers: Orphanet 912, MedGen C3554000, MONDO:0013949, OMIM 614883.

Allele frequency attached by ClinVar (database versions not stated): gnomAD exomes below 0.00001.

Submissions (2):

PreventionGenetics, part of Exact Sciences
Classification: Likely benign for PEX13-related condition. Last evaluated: 2026-06-23. Review status: criteria provided, single submitter. Criteria: ACMG Guidelines, 2015. Collection method: clinical testing. Allele origin: germline.
Comment: This variant is classified as likely benign based on ACMG/AMP sequence variant interpretation guidelines (Richards et al. 2015 PMID: 25741868, with internal and published modifications).

Labcorp Genetics (formerly Invitae), Labcorp
Classification: Likely benign for Peroxisome biogenesis disorder 11A (Zellweger). Last evaluated: 2025-02-16. Review status: criteria provided, single submitter. Criteria: Invitae Variant Classification Sherloc (09022015). Collection method: clinical testing. Allele origin: germline.

NM_002618.4(PEX13):c.1188A>G (p.Lys396=)

Gene: PEX13 (peroxisomal biogenesis factor 13; plus strand). Cytogenetic location: 2p15.
Variant type: single nucleotide variant.
Coding change: c.1188A>G on transcript NM_002618.4 (MANE Select); coding-DNA position 1188, A replaced by G.
Protein change: p.Lys396=; no amino-acid change (lysine 396 retained).
Molecular consequence: synonymous variant.
Genome position (GRCh38, 1-based): chr2:61,048,746, A>G. VCF-style: chr2-61048746-A-G. GRCh37 (hg19) VCF-style: chr2-61275881-A-G.
Other names: c.1188A>G (NM_002618.3).
Identifiers: ClinVar variation 2106530 (VCV002106530.5), dbSNP rs1417713189, ClinGen allele CA426188431.